The following is an entry in ClinVar:

ClinVar aggregate classification (germline): Uncertain significance (1 of 4 stars; one submission).

Submission:

CeGaT Center for Human Genetics Tuebingen
Classification: Uncertain significance. Last evaluated: 2025-11-01. Review status: criteria provided, single submitter. Criteria: CeGaT Center For Human Genetics Tuebingen Variant Classification Criteria Version 2. Collection method: clinical testing. Allele origin: germline. Affected: yes. Observed: 1 variant allele.
Comment: SIK1: PM2

NM_173354.5(SIK1):c.111C>G (p.Asn37Lys)

Gene: SIK1 (salt inducible kinase 1; minus strand). Cytogenetic location: 21q22.3.
Variant type: single nucleotide variant.
Coding change: c.111C>G on transcript NM_173354.5 (MANE Select); coding-DNA position 111, C replaced by G.
Protein change: p.Asn37Lys; replaces asparagine 37 with lysine.
Molecular consequence: missense variant.
Genome position (GRCh38, 1-based): chr21:43,426,068, G>C on the plus strand (C>G on the coding strand, the complement: SIK1 is on the minus strand). VCF-style: chr21-43426068-G-C. GRCh37 (hg19) VCF-style: chr21-44845948-G-C.
Other names: short protein forms N37K.
Identifiers: ClinVar variation 4535366 (VCV004535366.6).